The following is an entry in ClinVar:

ClinVar aggregate classification (germline): Conflicting classifications of pathogenicity. Review status: criteria provided, conflicting classifications (1 of 4 stars). 2 submissions from 2 submitters: Uncertain significance (1); Likely benign (1). Last evaluated 2025-12-29.

Conditions:
Hereditary cancer-predisposing syndrome. Also called: Neoplastic Syndromes, Hereditary; Tumor predisposition; Hereditary neoplastic syndrome; Hereditary Cancer Syndrome. Identifiers: Orphanet 140162, MedGen C0027672, MeSH D009386, MONDO:0015356.

Allele frequency attached by ClinVar (database versions not stated): gnomAD exomes below 0.00001; TOPMed 0.00001.
gnomAD v4.1: 6 of 1,530,142 alleles (0.00039%); highest among the groups gnomAD compares: Non-Finnish European, 0.00052%; no homozygotes.

Submissions (2):

Center for Genomic Medicine, Rigshospitalet, Copenhagen University Hospital
Classification: Likely benign. Last evaluated: 2025-12-29. Review status: criteria provided, single submitter. Criteria: ACMG Guidelines, 2015. Collection method: clinical testing. Allele origin: germline.

Ambry Genetics
Classification: Uncertain significance for Hereditary cancer-predisposing syndrome. Last evaluated: 2014-11-19. Review status: criteria provided, single submitter. Criteria: Ambry Variant Classification Scheme 2023. Collection method: clinical testing. Allele origin: germline.
Comment: The c.-20C>T alteration is located in the 5' untranslated region (5'UTR) of the CDH1 gene. This alteration consists of a C to T substitution nucleotides upstream from the first translated codon. Based on insufficient or conflicting evidence, the clinical significance of this alteration remains unclear.

NM_004360.5(CDH1):c.-20C>T

Genes: CDH1 (cadherin 1; plus strand), LOC130059290 (ATAC-STARR-seq lymphoblastoid silent region 7650; plus strand). Cytogenetic location: 16q22.1.
Variant type: single nucleotide variant.
Coding change: c.-20C>T on transcript NM_004360.5 (MANE Select); 20 bases upstream of the start codon, C replaced by T.
Molecular consequence: 5 prime UTR variant.
Genome position (GRCh38, 1-based): chr16:68,737,396, C>T. VCF-style: chr16-68737396-C-T. GRCh37 (hg19) VCF-style: chr16-68771299-C-T.
Other names: c.-20C>T (NM_001317184.2); c.-1635C>T (NM_001317185.2); c.-1839C>T (NM_001317186.2).
Identifiers: ClinVar variation 3076086 (VCV003076086.2), dbSNP rs1962421473, ClinGen allele CA913188705.